The following is an entry in ClinVar:

NM_001927.4(DES):c.38C>T (p.Ser13Phe)

Gene: DES (desmin; plus strand). Cytogenetic location: 2q35.
Variant type: single nucleotide variant.
Coding change: c.38C>T on transcript NM_001927.4 (MANE Select); coding-DNA position 38, C replaced by T.
Protein change: p.Ser13Phe; replaces serine 13 with phenylalanine.
Molecular consequence: missense variant.
Genome position (GRCh38, 1-based): chr2:219,418,500, C>T. VCF-style: chr2-219418500-C-T. GRCh37 (hg19) VCF-style: chr2-220283222-C-T.
Other names: short protein forms S13F.
Identifiers: ClinVar variation 44260 (VCV000044260.27), dbSNP rs62636495, ClinGen allele CA261520.

ClinVar aggregate classification (germline): Pathogenic. Review status: criteria provided, multiple submitters, no conflicts (2 of 4 stars). 10 submissions from 10 submitters: Pathogenic (5). 5 of the submissions do not count toward it. Last evaluated 2025-10-29.

Conditions:
DES-related disorders.
Desmin-related myofibrillar myopathy (MFM1). Also called: Desminopathy; Desmin related myopathy (former name); Desmin storage myopathy (former name); Myofibrillar myopathy 1; MYOFIBRILLAR MYOPATHY WITH ARRHYTHMOGENIC RIGHT VENTRICULAR CARDIOMYOPATHY; DESMIN-RELATED MYOPATHY WITH ARRHYTHMOGENIC RIGHT VENTRICULAR CARDIOMYOPATHY. Identifiers: Orphanet 363543, Orphanet 98909, MedGen C1832370, MONDO:0011076, OMIM 601419.
Primary dilated cardiomyopathy (DCM). Also called: Dilated Cardiomyopathy. Identifiers: Orphanet 217604, MedGen C0007193, MeSH D002311, MONDO:0005021, HP:0001644. Inheritance: Various modes of inheritance.

Allele frequency attached by ClinVar (database versions not stated): TOPMed below 0.00001.

Submissions (10):

Labcorp Genetics (formerly Invitae), Labcorp
Classification: Pathogenic for Desmin-related myofibrillar myopathy. Last evaluated: 2025-10-29. Review status: criteria provided, single submitter. Criteria: Invitae Variant Classification Sherloc (09022015). Collection method: clinical testing. Allele origin: germline.
Comment: This sequence change replaces serine, which is neutral and polar, with phenylalanine, which is neutral and non-polar, at codon 13 of the DES protein (p.Ser13Phe). This variant is not present in population databases (gnomAD no frequency). This missense change has been observed in individuals with autosomal dominant dilated cardiomyopathy and/or skeletal myopathy (PMID: 17720647, 18061454, 19879535, 23349452, 26097489). It has also been observed to segregate with disease in related individuals. ClinVar contains an entry for this variant (Variation ID: 44260). Invitae Evidence Modeling of protein sequence and biophysical properties (such as structural, functional, and spatial information, amino acid conservation, physicochemical variation, residue mobility, and thermodynamic stability) indicates that this missense variant is expected to disrupt DES protein function with a positive predictive value of 95%. Experimental studies have shown that this missense change affects DES function (PMID: 19763525, 22403400). For these reasons, this variant has been classified as Pathogenic.

Blueprint Genetics
Classification: Pathogenic for DES-related disorders. Last evaluated: 2021-03-08. Review status: criteria provided, single submitter. Criteria: ACMG Guidelines, 2015. Collection method: clinical testing. Allele origin: germline. Affected: yes. Observed: 1 variant allele.

Eurofins Ntd Llc (ga)
Classification: Pathogenic. Last evaluated: 2017-03-02. Review status: criteria provided, single submitter. Criteria: EGL Classification Definitions 2015. Collection method: clinical testing. Allele origin: germline. Observed: 2 variant alleles, 2 heterozygotes.

Baylor Genetics
Classification: Pathogenic for Myofibrillar myopathy 1. Last evaluated: 2013-11-26. Review status: criteria provided, single submitter. Criteria: Yang et al. 2013. Collection method: clinical testing. Allele origin: germline. Inheritance: Autosomal dominant inheritance. Affected: yes. Observed: 1 variant allele, 1 heterozygote. Study: Adult_WES.

Laboratory for Molecular Medicine, Mass General Brigham Personalized Medicine
Classification: Pathogenic for Primary dilated cardiomyopathy. Last evaluated: 2011-09-07. Review status: criteria provided, single submitter. Criteria: LMM Criteria. Collection method: clinical testing. Allele origin: germline. Inheritance: Autosomal dominant inheritance. Observed: 3 variant alleles.
Comment: The Ser13Phe variant has been reported in several families showing significant s egregation with desmin-related myopathy (> than 10 affected family members posit ive) and was absent from > 400 control chromosomes (Bergman 2007, Pica 2008, van Tintelen 2009). Serine (Ser) at position 13 is highly conserved across evoluti onarily distant species, suggesting that a change in the amino acid may not be t olerated. In addition, in vitro studies show that this variant impacts the stru cture and function of desmin protein (Pica 2008, Sharma 2009). Therefore, the S er13Phe variant meets our criteria for pathogenicity (lmm) based on segregation studies, absence from controls, and functional evidenc e.

OMIM
Classification: Pathogenic for MYOPATHY, MYOFIBRILLAR, 1. Last evaluated: 2009-11-01. Review status: no assertion criteria provided. Collection method: literature only. Allele origin: germline. Not counted in ClinVar's aggregate classification.

Clinical Genetics, Academic Medical Center
Classification: Pathogenic. Review status: no assertion criteria provided. Collection method: clinical testing. Allele origin: germline. Affected: yes. Study: VKGL Data-share Consensus. Not counted in ClinVar's aggregate classification.

Diagnostic Laboratory, Department of Genetics, University Medical Center Groningen
Classification: Pathogenic. Review status: no assertion criteria provided. Collection method: clinical testing. Allele origin: germline. Affected: yes. Study: VKGL Data-share Consensus. Not counted in ClinVar's aggregate classification.

Epithelial Biology;  Institute of Medical Biology, Singapore
No classification provided. Review status: no classification provided. Collection method: not provided. Allele origin: not provided. Not counted in ClinVar's aggregate classification.

Joint Genome Diagnostic Labs from Nijmegen and Maastricht, Radboudumc and MUMC+
Classification: Pathogenic. Review status: no assertion criteria provided. Collection method: clinical testing. Allele origin: germline. Affected: yes. Study: VKGL Data-share Consensus. Not counted in ClinVar's aggregate classification.

Literature cited by the submitters: PubMed 17720647 (cited by 4 submitters); PubMed 18061454 (cited by 4 submitters); PubMed 19879535 (cited by 5 submitters); PubMed 23349452 (cited by Labcorp Genetics (formerly Invitae), Labcorp); PubMed 26097489 (cited by Labcorp Genetics (formerly Invitae), Labcorp); PubMed 19763525 (cited by 4 submitters); PubMed 22403400 (cited by 3 submitters); PubMed 22215463 (cited by Eurofins Ntd Llc (ga) and Baylor Genetics); PubMed 26633545 (cited by Baylor Genetics).